The following is an entry in ClinVar:

ClinVar aggregate classification (germline): Uncertain significance (1 of 4 stars; one submission).

Conditions:
Hypertrophic cardiomyopathy. Also called: HYPERTROPHIC MYOCARDIOPATHY. Identifiers: Orphanet 217569, MedGen C0007194, MeSH D002312, MONDO:0005045, HP:0001639.

Submission:

Labcorp Genetics (formerly Invitae), Labcorp
Classification: Uncertain significance for Hypertrophic cardiomyopathy. Last evaluated: 2023-11-22. Review status: criteria provided, single submitter. Criteria: Invitae Variant Classification Sherloc (09022015). Collection method: clinical testing. Allele origin: germline.
Comment: This sequence change replaces serine, which is neutral and polar, with threonine, which is neutral and polar, at codon 1924 of the MYH7 protein (p.Ser1924Thr). This variant is not present in population databases (gnomAD no frequency). This variant has not been reported in the literature in individuals affected with MYH7-related conditions. Advanced modeling of protein sequence and biophysical properties (such as structural, functional, and spatial information, amino acid conservation, physicochemical variation, residue mobility, and thermodynamic stability) performed at Invitae indicates that this missense variant is not expected to disrupt MYH7 protein function with a negative predictive value of 95%. In summary, the available evidence is currently insufficient to determine the role of this variant in disease. Therefore, it has been classified as a Variant of Uncertain Significance.

NM_000257.4(MYH7):c.5771G>C (p.Ser1924Thr)

Gene: MYH7 (myosin heavy chain 7; minus strand). Cytogenetic location: 14q11.2.
Variant type: single nucleotide variant.
Coding change: c.5771G>C on transcript NM_000257.4 (MANE Select); coding-DNA position 5771, G replaced by C.
Protein change: p.Ser1924Thr; replaces serine 1924 with threonine.
Molecular consequence: missense variant.
Genome position (GRCh38, 1-based): chr14:23,413,778, C>G on the plus strand (G>C on the coding strand, the complement: MYH7 is on the minus strand). VCF-style: chr14-23413778-C-G. GRCh37 (hg19) VCF-style: chr14-23882987-C-G.
Other names: c.5771G>C, p.Ser1924Thr (NM_001407004.1); short protein forms S1924T.
Identifiers: ClinVar variation 3023101 (VCV003023101.3), dbSNP rs786204385, ClinGen allele CA389034514.